The following is an entry in ClinVar:

NM_000307.5(POU3F4):c.1054G>A (p.Val352Met)

Gene: POU3F4 (POU class 3 homeobox 4; plus strand). Cytogenetic location: Xq21.1.
Variant type: single nucleotide variant.
Coding change: c.1054G>A on transcript NM_000307.5 (MANE Select); coding-DNA position 1054, G replaced by A.
Protein change: p.Val352Met; replaces valine 352 with methionine.
Molecular consequence: missense variant.
Genome position (GRCh38, 1-based): chrX:83,509,378, G>A. VCF-style: chrX-83509378-G-A. GRCh37 (hg19) VCF-style: chrX-82764386-G-A.
Other names: short protein forms V352M.
Identifiers: ClinVar variation 2579451 (VCV002579451.1), dbSNP rs182912945, ClinGen allele CA10462827.

ClinVar aggregate classification (germline): Uncertain significance (1 of 4 stars; one submission).

Allele frequency attached by ClinVar (database versions not stated): 1000 Genomes Project 30x 0.00021; 1000 Genomes Project 0.00026.

Submission:

GeneDx
Classification: Uncertain significance. Last evaluated: 2023-03-08. Review status: criteria provided, single submitter. Criteria: GeneDx Variant Classification Process June 2021. Collection method: clinical testing. Allele origin: germline. Affected: yes.
Comment: Not observed at significant frequency in large population cohorts (gnomAD); In silico analysis supports that this missense variant does not alter protein structure/function; Has not been previously published as pathogenic or benign to our knowledge